The following is an entry in ClinVar:

ClinVar aggregate classification (germline): Conflicting classifications of pathogenicity. Review status: criteria provided, conflicting classifications (1 of 4 stars). 3 submissions from 3 submitters: Uncertain significance (1); Likely benign (2). Last evaluated 2024-01-29.

Conditions:
Methylmalonic aciduria and homocystinuria type cblF. Also called: VITAMIN B12 LYSOSOMAL RELEASE DEFECT; VITAMIN B12 STORAGE DISEASE; COBALAMIN F DISEASE; COBALAMIN, DEFECT IN LYSOSOMAL RELEASE OF; METHYLMALONIC ACIDEMIA AND HOMOCYSTINURIA, cblF TYPE; METHYLMALONIC ACIDURIA DUE TO VITAMIN B12-RELEASE DEFECT. Identifiers: Orphanet 79284, MedGen C1848578, MONDO:0010183, OMIM 277380.

Allele frequency attached by ClinVar (database versions not stated): ExAC 0.00001; gnomAD 0.00001; gnomAD exomes 0.00001 and 0.00002; TOPMed 0.00002.
gnomAD v4.1: 11 of 1,613,294 alleles (0.00068%); highest among the groups gnomAD compares: African/African-American, 0.004%; no homozygotes.

Submissions (3):

Labcorp Genetics (formerly Invitae), Labcorp
Classification: Likely benign for Methylmalonic aciduria and homocystinuria type cblF. Last evaluated: 2024-01-29. Review status: criteria provided, single submitter. Criteria: Invitae Variant Classification Sherloc (09022015). Collection method: clinical testing. Allele origin: germline.

Illumina Laboratory Services, Illumina
Classification: Uncertain significance for Methylmalonic aciduria and homocystinuria type cblF. Last evaluated: 2018-01-13. Review status: criteria provided, single submitter. Criteria: ICSL Variant Classification Criteria 13 December 2019. Collection method: clinical testing. Allele origin: germline.

GeneDx
Classification: Likely benign. Last evaluated: 2017-11-17. Review status: criteria provided, single submitter. Criteria: GeneDx Variant Classification (06012015). Collection method: clinical testing. Allele origin: germline. Affected: yes.
Comment: This variant is considered likely benign or benign based on one or more of the following criteria: it is a conservative change, it occurs at a poorly conserved position in the protein, it is predicted to be benign by multiple in silico algorithms, and/or has population frequency not consistent with disease.

NM_018368.4(LMBRD1):c.897C>T (p.Gly299=)

Gene: LMBRD1 (LMBR1 domain containing 1; minus strand). Cytogenetic location: 6q13.
Variant type: single nucleotide variant.
Coding change: c.897C>T on transcript NM_018368.4 (MANE Select); coding-DNA position 897, C replaced by T.
Protein change: p.Gly299=; no amino-acid change (glycine 299 retained).
Molecular consequence: synonymous variant.
Genome position (GRCh38, 1-based): chr6:69,713,663, G>A on the plus strand (C>T on the coding strand, the complement: LMBRD1 is on the minus strand). VCF-style: chr6-69713663-G-A. GRCh37 (hg19) VCF-style: chr6-70423555-G-A.
Other names: c.678C>T, p.Gly226= (NM_001363722.2, NM_001367271.1, NM_001367272.1).
Identifiers: ClinVar variation 357773 (VCV000357773.8), dbSNP rs757392138, ClinGen allele CA3879764.
Genomic context (GRCh38, chr6:69,713,663, plus strand): 5'-TTGGGGAAGAGTGACAGCATAATTTTTAAAAACTTCATTTACCTTCAGGGGACGCAGAGC[G>A]CCACAAAATTTTGTCCACCAGCTGTTTTCAATGAATTCTAAATGCCTCTCTCTCTTCTTA-3'
Protein context (NP_060838.3, residues 289-309): IENSWWTKFC[Gly299=]ALRPLKIVWG